The following is an entry in ClinVar:

ClinVar aggregate classification (germline): Likely benign. Review status: criteria provided, multiple submitters, no conflicts (2 of 4 stars). 2 submissions from 2 submitters: Likely benign (2). Last evaluated 2025-10-21.

Allele frequency attached by ClinVar (database versions not stated): gnomAD exomes 0.00001; TOPMed 0.00002.
gnomAD v4.1: 19 of 1,614,100 alleles (0.0012%); highest among the groups gnomAD compares: Non-Finnish European, 0.0014%; no homozygotes.

Submissions (2):

Labcorp Genetics (formerly Invitae), Labcorp
Classification: Likely benign. Last evaluated: 2025-10-21. Review status: criteria provided, single submitter. Criteria: Invitae Variant Classification Sherloc (09022015). Collection method: clinical testing. Allele origin: germline.

CeGaT Center for Human Genetics Tuebingen
Classification: Likely benign. Last evaluated: 2024-04-01. Review status: criteria provided, single submitter. Criteria: CeGaT Center For Human Genetics Tuebingen Variant Classification Criteria Version 2. Collection method: clinical testing. Allele origin: germline. Affected: yes. Observed: 1 variant allele.
Comment: SLC34A1: BP4, BP7

NM_003052.5(SLC34A1):c.1632G>A (p.Val544=)

Gene: SLC34A1 (solute carrier family 34 member 1; plus strand). Cytogenetic location: 5q35.3.
Variant type: single nucleotide variant.
Coding change: c.1632G>A on transcript NM_003052.5 (MANE Select); coding-DNA position 1632, G replaced by A.
Protein change: p.Val544=; no amino-acid change (valine 544 retained).
Molecular consequence: synonymous variant.
Genome position (GRCh38, 1-based): chr5:177,397,998, G>A. VCF-style: chr5-177397998-G-A. GRCh37 (hg19) VCF-style: chr5-176824999-G-A.
Identifiers: ClinVar variation 3234402 (VCV003234402.21), dbSNP rs1325191597, ClinGen allele CA447963934.
Genomic context (GRCh38, chr5:177,397,998, plus strand): 5'-GCTGCTGCCCTCACTGGTGTTTGGCATCTCCATGGCAGGCTGGCAGGTCATGGTAGGTGT[G>A]GGCACGCCCTTCGGGGCCCTGCTGGCCTTCGTGGTGCTCATCAATGTCCTGCAGAGTCGG-3'
Protein context (NP_003043.3, residues 534-554): SMAGWQVMVG[Val544=]GTPFGALLAF